The following is an entry in ClinVar:

NM_201384.3(PLEC):c.9130C>G (p.Leu3044Val)

Gene: PLEC (plectin; minus strand). Cytogenetic location: 8q24.3.
Variant type: single nucleotide variant.
Coding change: c.9130C>G on transcript NM_201384.3 (MANE Select); coding-DNA position 9130, C replaced by G.
Protein change: p.Leu3044Val; replaces leucine 3044 with valine.
Molecular consequence: missense variant.
Genome position (GRCh38, 1-based): chr8:143,920,691, G>C on the plus strand (C>G on the coding strand, the complement: PLEC is on the minus strand). VCF-style: chr8-143920691-G-C. GRCh37 (hg19) VCF-style: chr8-144994859-G-C.
Other names: c.9211C>G, p.Leu3071Val (NM_000445.5); c.5830C>G, p.Leu1944Val (NM_001410941.1); c.9088C>G, p.Leu3030Val (NM_201378.4); c.9064C>G, p.Leu3022Val (NM_201379.3); c.9541C>G, p.Leu3181Val (NM_201380.4); c.9034C>G, p.Leu3012Val (NM_201381.3); c.9130C>G, p.Leu3044Val (NM_201382.4); c.9142C>G, p.Leu3048Val (NM_201383.3); short protein forms L1944V, L3012V, L3022V, L3048V, L3071V, L3181V, L3044V, L3030V.
Identifiers: ClinVar variation 4789253 (VCV004789253.1).

ClinVar aggregate classification (germline): Uncertain significance (1 of 4 stars; one submission).

Conditions:
Epidermolysis bullosa simplex with nail dystrophy (EBS5D). Identifiers: MedGen C4225309, MONDO:0014661, OMIM 616487.
Epidermolysis bullosa simplex, Ogna type (EBS5A). Also called: EPIDERMOLYSIS BULLOSA SIMPLEX 5A, OGNA TYPE; Pidermolysis bullosa simplex 5A, Ogna type. Identifiers: Orphanet 79401, MedGen C0432317, MONDO:0007555, OMIM 131950.
Autosomal recessive limb-girdle muscular dystrophy type 2Q (LGMDR17). Also called: MUSCULAR DYSTROPHY, LIMB-GIRDLE, AUTOSOMAL RECESSIVE 17. Identifiers: Orphanet 254361, MedGen C3150989, MONDO:0013390, OMIM 613723.
Epidermolysis bullosa simplex 5B, with muscular dystrophy (EBS5B). Also called: EPIDERMOLYSIS BULLOSA SIMPLEX AND LIMB-GIRDLE MUSCULAR DYSTROPHY; Epidermolysis bullosa simplex with muscular dystrophy. Identifiers: Orphanet 257, MedGen C2931072, MONDO:0009181, OMIM 226670.
Epidermolysis bullosa simplex 5C, with pyloric atresia (EBS5C). Also called: PLEC-Related Epidermolysis Bullosa with Pyloric Atresia; Epidermolysis bullosa simplex with pyloric atresia; PLEC1-Related Epidermolysis Bullosa with Pyloric Atresia. Identifiers: Orphanet 158684, MedGen C2677349, MONDO:0012807, OMIM 612138.

gnomAD v4.1: 1 of 1,602,818 alleles (0.000062%); highest among the groups gnomAD compares: Non-Finnish European, 0.000085%; no homozygotes.

Submission:

Labcorp Genetics (formerly Invitae), Labcorp
Classification: Uncertain significance for Autosomal recessive limb-girdle muscular dystrophy type 2Q; Epidermolysis bullosa simplex, Ogna type; Epidermolysis bullosa simplex with nail dystrophy; Epidermolysis bullosa simplex 5C, with pyloric atresia; Epidermolysis bullosa simplex 5B, with muscular dystrophy. Last evaluated: 2025-07-20. Review status: criteria provided, single submitter. Criteria: Invitae Variant Classification Sherloc (09022015). Collection method: clinical testing. Allele origin: germline.
Comment: This sequence change replaces leucine, which is neutral and non-polar, with valine, which is neutral and non-polar, at codon 3071 of the PLEC protein (p.Leu3071Val). This variant is not present in population databases (gnomAD no frequency). This variant has not been reported in the literature in individuals affected with PLEC-related conditions. An algorithm developed to predict the effect of missense changes on protein structure and function (PolyPhen-2) suggests that this variant is likely to be disruptive. In summary, the available evidence is currently insufficient to determine the role of this variant in disease. Therefore, it has been classified as a Variant of Uncertain Significance.